The following is an entry in ClinVar:

ClinVar aggregate classification (germline): Likely benign. Review status: criteria provided, multiple submitters, no conflicts (2 of 4 stars). 6 submissions from 6 submitters: Likely benign (6). Last evaluated 2026-07-01.

Conditions:
Holt-Oram syndrome (HOS). Also called: TBX5-Related Holt-Oram Syndrome; Ventriculo-radial syndrome; Cardiac-limb syndrome; Heart-hand syndrome, type 1. Identifiers: Orphanet 392, MedGen C0265264, MONDO:0007732, OMIM 142900.
Aortic valve disease 2 (AOVD2). Identifiers: MedGen C3542024, MONDO:0013902, OMIM 614823.
Cardiovascular phenotype. Identifiers: MedGen CN230736.

Allele frequency attached by ClinVar (database versions not stated): TOPMed 0.00001; gnomAD exomes 0.00008; ExAC 0.00010; 1000 Genomes Project 30x 0.00016; 1000 Genomes Project 0.00020.

Submissions (6):

CeGaT Center for Human Genetics Tuebingen
Classification: Likely benign. Last evaluated: 2026-07-01. Review status: criteria provided, single submitter. Criteria: CeGaT Center For Human Genetics Tuebingen Variant Classification Criteria Version 2. Collection method: clinical testing. Allele origin: germline. Affected: yes. Observed: 3 variant alleles.
Comment: TBX5: BP4, BP7

Labcorp Genetics (formerly Invitae), Labcorp
Classification: Likely benign for Aortic valve disease 2. Last evaluated: 2025-11-18. Review status: criteria provided, single submitter. Criteria: Invitae Variant Classification Sherloc (09022015). Collection method: clinical testing. Allele origin: germline.

Molecular Diagnostic Laboratory for Inherited Cardiovascular Disease, Montreal Heart Institute
Classification: Likely benign. Last evaluated: 2025-04-09. Review status: criteria provided, single submitter. Criteria: ACMG Guidelines, 2015. Collection method: clinical testing. Allele origin: germline. Affected: no.
Comment: BP5;BP6;BP7

Blueprint Genetics
Classification: Likely benign. Last evaluated: 2024-11-26. Review status: criteria provided, single submitter. Criteria: ACMG Guidelines, 2015. Collection method: clinical testing. Allele origin: germline.

Ambry Genetics
Classification: Likely benign for Cardiovascular phenotype. Last evaluated: 2018-05-09. Review status: criteria provided, single submitter. Criteria: Ambry Variant Classification Scheme 2023. Collection method: clinical testing. Allele origin: germline.

Illumina Laboratory Services, Illumina
Classification: Likely benign for Holt-Oram syndrome. Last evaluated: 2018-01-12. Review status: criteria provided, single submitter. Criteria: ICSL Variant Classification Criteria 13 December 2019. Collection method: clinical testing. Allele origin: germline.
Comment: This variant was observed in the ICSL laboratory as part of a predisposition screen in an ostensibly healthy population. It had not been previously curated by ICSL or reported in the Human Gene Mutation Database (HGMD: prior to June 1st, 2018), and was therefore a candidate for classification through an automated scoring system. Utilizing variant allele frequency, disease prevalence and penetrance estimates, and inheritance mode, an automated score was calculated to assess if this variant is too frequent to cause the disease. Based on the score and internal cut-off values, a variant classified as likely benign is not then subjected to further curation. The score for this variant resulted in a classification of likely benign for this disease.

NM_181486.4(TBX5):c.1233C>G (p.Thr411=)

Gene: TBX5 (T-box transcription factor 5; minus strand). Cytogenetic location: 12q24.21.
Variant type: single nucleotide variant.
Coding change: c.1233C>G on transcript NM_181486.4 (MANE Select); coding-DNA position 1233, C replaced by G.
Protein change: p.Thr411=; no amino-acid change (threonine 411 retained).
Molecular consequence: synonymous variant.
Genome position (GRCh38, 1-based): chr12:114,355,856, G>C on the plus strand (C>G on the coding strand, the complement: TBX5 is on the minus strand). VCF-style: chr12-114355856-G-C. GRCh37 (hg19) VCF-style: chr12-114793661-G-C.
Other names: c.1083C>G, p.Thr361= (NM_080717.4); c.1233C>G, p.Thr411= (NM_000192.3).
Identifiers: ClinVar variation 882842 (VCV000882842.36), dbSNP rs188839350, ClinGen allele CA6809377.